The following is an entry in ClinVar:

NM_001127644.2(GABRA1):c.41G>C (p.Trp14Ser)

Gene: GABRA1 (gamma-aminobutyric acid type A receptor subunit alpha1; plus strand). Cytogenetic location: 5q34.
Variant type: single nucleotide variant.
Coding change: c.41G>C on transcript NM_001127644.2 (MANE Select); coding-DNA position 41, G replaced by C.
Protein change: p.Trp14Ser; replaces tryptophan 14 with serine.
Molecular consequence: missense variant.
Genome position (GRCh38, 1-based): chr5:161,850,851, G>C. VCF-style: chr5-161850851-G-C. GRCh37 (hg19) VCF-style: chr5-161277857-G-C.
Other names: c.41G>C, p.Trp14Ser (NM_000806.5, NM_001127643.2, NM_001127645.2 and 1 more transcripts); short protein forms W14S.
Identifiers: ClinVar variation 1723866 (VCV001723866.2), dbSNP rs2532198229, ClinGen allele CA362181129.

ClinVar aggregate classification (germline): Uncertain significance (1 of 4 stars; one submission).

Submission:

GeneDx
Classification: Uncertain significance. Last evaluated: 2022-05-11. Review status: criteria provided, single submitter. Criteria: GeneDx Variant Classification Process June 2021. Collection method: clinical testing. Allele origin: germline. Affected: yes.
Comment: Not observed at significant frequency in large population cohorts (gnomAD); In silico analysis supports that this missense variant does not alter protein structure/function; Has not been previously published as pathogenic or benign to our knowledge